The following is an entry in ClinVar:

NM_000035.4(ALDOB):c.389G>C (p.Gly130Ala)

Gene: ALDOB (aldolase, fructose-bisphosphate B; minus strand). Cytogenetic location: 9q31.1.
Variant type: single nucleotide variant.
Coding change: c.389G>C on transcript NM_000035.4 (MANE Select); coding-DNA position 389, G replaced by C.
Protein change: p.Gly130Ala; replaces glycine 130 with alanine.
Molecular consequence: missense variant.
Genome position (GRCh38, 1-based): chr9:101,427,633, C>G on the plus strand (G>C on the coding strand, the complement: ALDOB is on the minus strand). VCF-style: chr9-101427633-C-G. GRCh37 (hg19) VCF-style: chr9-104189915-C-G.
Other names: short protein forms G130A.
Identifiers: ClinVar variation 2513315 (VCV002513315.3), dbSNP rs199981226, ClinGen allele CA196957422.

ClinVar aggregate classification (germline): Uncertain significance. Review status: criteria provided, multiple submitters, no conflicts (2 of 4 stars). 2 submissions from 2 submitters: Uncertain significance (2). Last evaluated 2025-08-14.

Conditions:
ALDOB-related disorder. Also called: ALDOB-related condition.
Inborn genetic diseases. Identifiers: MedGen C0950123, MeSH D030342.

Allele frequency attached by ClinVar (database versions not stated): TOPMed below 0.00001; gnomAD exomes 0.00001.
gnomAD v4.1: 7 of 1,614,100 alleles (0.00043%); highest among the groups gnomAD compares: Admixed American, 0.012%; no homozygotes.

Submissions (2):

PreventionGenetics, part of Exact Sciences
Classification: Uncertain significance for ALDOB-related condition. Last evaluated: 2025-08-14. Review status: criteria provided, single submitter. Criteria: ACMG Guidelines, 2015. Collection method: clinical testing. Allele origin: germline.
Comment: The ALDOB c.389G>C variant is predicted to result in the amino acid substitution p.Gly130Ala. To our knowledge, this variant has not been reported in the literature. This variant is reported in 0.020% of alleles in individuals of Latino descent in gnomAD. At this time, the clinical significance of this variant is uncertain due to the absence of conclusive functional and genetic evidence.

Ambry Genetics
Classification: Uncertain significance for Inborn genetic diseases. Last evaluated: 2023-06-12. Review status: criteria provided, single submitter. Criteria: Ambry Variant Classification Scheme 2023. Collection method: clinical testing. Allele origin: germline.